The following is an entry in ClinVar:

ClinVar aggregate classification (germline): Uncertain significance (1 of 4 stars; one submission).

Allele frequency attached by ClinVar (database versions not stated): gnomAD exomes 0.00001.

Submission:

Labcorp Genetics (formerly Invitae), Labcorp
Classification: Uncertain significance. Last evaluated: 2025-11-23. Review status: criteria provided, single submitter. Criteria: Invitae Variant Classification Sherloc (09022015). Collection method: clinical testing. Allele origin: germline.
Comment: This sequence change replaces aspartic acid, which is acidic and polar, with asparagine, which is neutral and polar, at codon 24 of the P4HB protein (p.Asp24Asn). The frequency data for this variant in the population databases is considered unreliable, as metrics indicate poor data quality at this position in the gnomAD database. This variant has not been reported in the literature in individuals affected with P4HB-related conditions. ClinVar contains an entry for this variant (Variation ID: 1958987). Invitae Evidence Modeling of protein sequence and biophysical properties (such as structural, functional, and spatial information, amino acid conservation, physicochemical variation, residue mobility, and thermodynamic stability) indicates that this missense variant is not expected to disrupt P4HB protein function with a negative predictive value of 80%. In summary, the available evidence is currently insufficient to determine the role of this variant in disease. Therefore, it has been classified as a Variant of Uncertain Significance.

NM_000918.4(P4HB):c.70G>A (p.Asp24Asn)

Gene: P4HB (prolyl 4-hydroxylase subunit beta; minus strand). Cytogenetic location: 17q25.3.
Variant type: single nucleotide variant.
Coding change: c.70G>A on transcript NM_000918.4 (MANE Select); coding-DNA position 70, G replaced by A.
Protein change: p.Asp24Asn; replaces aspartic acid 24 with asparagine.
Molecular consequence: missense variant.
Genome position (GRCh38, 1-based): chr17:81,860,402, C>T on the plus strand (G>A on the coding strand, the complement: P4HB is on the minus strand). VCF-style: chr17-81860402-C-T. GRCh37 (hg19) VCF-style: chr17-79818278-C-T.
Other names: short protein forms D24N.
Identifiers: ClinVar variation 1958987 (VCV001958987.5), dbSNP rs1292560447, ClinGen allele CA401518609.